The following is an entry in ClinVar:

ClinVar aggregate classification (germline): Uncertain significance. Review status: criteria provided, multiple submitters, no conflicts (2 of 4 stars). 3 submissions from 3 submitters: Uncertain significance (3). Last evaluated 2023-12-08.

Conditions:
Primary ciliary dyskinesia. Also called: Ciliary dyskinesia. Identifiers: Orphanet 244, MedGen C0008780, MONDO:0016575, HP:0012265.

Allele frequency attached by ClinVar (database versions not stated): gnomAD 0.00001; gnomAD exomes 0.00001 and 0.00006; TOPMed 0.00005.
gnomAD v4.1: 24 of 1,551,580 alleles (0.0015%); highest among the groups gnomAD compares: East Asian, 0.017%; no homozygotes.

Submissions (3):

Ambry Genetics
Classification: Uncertain significance for Primary ciliary dyskinesia. Last evaluated: 2023-12-08. Review status: criteria provided, single submitter. Criteria: Ambry Variant Classification Scheme 2023. Collection method: clinical testing. Allele origin: germline.
Comment: The p.A68V variant (also known as c.203C>T), located in coding exon 2 of the CCDC114 gene, results from a C to T substitution at nucleotide position 203. The alanine at codon 68 is replaced by valine, an amino acid with similar properties. This amino acid position is conserved. In addition, this alteration is predicted to be tolerated by in silico analysis. Since supporting evidence is limited at this time, the clinical significance of this alteration remains unclear.

Labcorp Genetics (formerly Invitae), Labcorp
Classification: Uncertain significance for Primary ciliary dyskinesia. Last evaluated: 2022-09-01. Review status: criteria provided, single submitter. Criteria: Invitae Variant Classification Sherloc (09022015). Collection method: clinical testing. Allele origin: germline.
Comment: This sequence change replaces alanine, which is neutral and non-polar, with valine, which is neutral and non-polar, at codon 68 of the CCDC114 protein (p.Ala68Val). This variant is present in population databases (no rsID available, gnomAD 0.08%). This variant has not been reported in the literature in individuals affected with CCDC114-related conditions. ClinVar contains an entry for this variant (Variation ID: 936185). Algorithms developed to predict the effect of missense changes on protein structure and function output the following: SIFT: "Tolerated"; PolyPhen-2: "Benign"; Align-GVGD: "Class C0". The valine amino acid residue is found in multiple mammalian species, which suggests that this missense change does not adversely affect protein function. Algorithms developed to predict the effect of sequence changes on RNA splicing suggest that this variant may create or strengthen a splice site. In summary, the available evidence is currently insufficient to determine the role of this variant in disease. Therefore, it has been classified as a Variant of Uncertain Significance.

Breakthrough Genomics
Classification: Uncertain significance. Review status: criteria provided, single submitter. Criteria: ACMG Guidelines, 2015. Collection method: not provided. Allele origin: germline. Inheritance: Autosomal dominant inheritance. Affected: yes.

NM_001364171.2(ODAD1):c.314C>T (p.Ala105Val)

Gene: ODAD1 (outer dynein arm docking complex subunit 1; minus strand). Cytogenetic location: 19q13.33.
Variant type: single nucleotide variant.
Coding change: c.314C>T on transcript NM_001364171.2 (MANE Select); coding-DNA position 314, C replaced by T.
Protein change: p.Ala105Val; replaces alanine 105 with valine.
Molecular consequence: missense variant.
Genome position (GRCh38, 1-based): chr19:48,318,433, G>A on the plus strand (C>T on the coding strand, the complement: ODAD1 is on the minus strand). VCF-style: chr19-48318433-G-A. GRCh37 (hg19) VCF-style: chr19-48821690-G-A.
Other names: c.203C>T, p.Ala68Val (NM_144577.4); short protein forms A68V, A105V.
Identifiers: ClinVar variation 936185 (VCV000936185.10), dbSNP rs1402875362, ClinGen allele CA406666090.